The following is an entry in ClinVar:

NM_033380.3(COL4A5):c.4745T>C (p.Val1582Ala)

Gene: COL4A5 (collagen type IV alpha 5 chain; plus strand). Cytogenetic location: Xq22.3.
Variant type: single nucleotide variant.
Coding change: c.4745T>C on transcript NM_033380.3 (MANE Select); coding-DNA position 4745, T replaced by C.
Protein change: p.Val1582Ala; replaces valine 1582 with alanine.
Molecular consequence: missense variant.
Genome position (GRCh38, 1-based): chrX:108,694,845, T>C. VCF-style: chrX-108694845-T-C. GRCh37 (hg19) VCF-style: chrX-107938075-T-C.
Other names: c.4727T>C, p.Val1576Ala (NM_000495.5); short protein forms V1576A, V1582A.
Identifiers: ClinVar variation 1678593 (VCV001678593.3), dbSNP rs2148001550, ClinGen allele CA414132458.

ClinVar aggregate classification (germline): Uncertain significance. Review status: criteria provided, multiple submitters, no conflicts (2 of 4 stars). 2 submissions from 2 submitters: Uncertain significance (2). Last evaluated 2025-11-06.

Conditions:
X-linked Alport syndrome (ATS1). Also called: NEPHROPATHY AND DEAFNESS, X-LINKED; COL4A5-Related Nephropathy. Identifiers: Orphanet 63, Orphanet 88917, MedGen C4746986, MONDO:0010520, OMIM 301050.

Submissions (2):

Victorian Clinical Genetics Services, Murdoch Childrens Research Institute
Classification: Uncertain significance for X-linked Alport syndrome. Last evaluated: 2025-11-06. Review status: criteria provided, single submitter. Criteria: ACMG Guidelines, 2015. Collection method: clinical testing. Allele origin: germline. Affected: yes.
Comment: This variant is classified as VUS-3A. Evidence in support of pathogenic classification: Variant is absent from gnomAD (v2, v3 and v4); Missense variant predicted to be damaging by in silico tool(s) or highly conserved with a major amino acid change. Additional information: Variant is predicted to result in a missense amino acid change from Val to Ala; This variant is hemizygous; This gene is associated with X-linked dominant disease. Males are typically more severely affected than females (PMID: 19965530); This variant has no previous evidence of pathogenicity; Segregation evidence for this variant is inconclusive. No published functional evidence has been identified for this variant; No comparable missense variants have previous evidence for pathogenicity; Variant is located in the annotated carboxy NC domain (PMID: 33854215); Dominant negative and loss of function are known mechanisms of disease in this gene and are associated with X-linked Alport syndrome 1 (MIM#301050). Dominant negative is caused mostly by glycine substitutions that affect the conformation of the protein, and loss of function can be caused by either protein truncating or missense variants (PMIDs: 24046192, 12028435); Variants in this gene are known to have variable expressivity. There is intrafamilial variability among affected carrier females, possibly due to variable X-inactivation (PMID: 14514738).

Molecular Genetics, Royal Melbourne Hospital
Classification: Uncertain significance for X-linked Alport syndrome. Last evaluated: 2020-11-30. Review status: criteria provided, single submitter. Criteria: ACMG Guidelines, 2015. Collection method: clinical testing. Allele origin: germline. Affected: yes.
Comment: This sequence change is predicted to replace valine with alanine at codon 1576 of the COL4A5 protein (p.Val1576Ala). The valine residue is moderately conserved (100 vertebrates, UCSC), and is located in a beta strand in the second C-terminal tandem repeated type IV collagen C4 domain. There is a moderate physicochemical difference between valine and alanine. The variant is absent in a large population cohort (gnomAD v2.1 - PM2). Multiple lines of computational evidence predict a deleterious effect for the missense substitution (6/6 algorithms - PP3). Based on the classification scheme RMH ACMG Guidelines v1.1.1, this variant is classified as a VARIANT of UNCERTAIN SIGNIFICANCE. Following criteria are met: PM2, PM3_Supporting, PP3.

Literature cited by the submitters: PubMed 24046192 (cited by Victorian Clinical Genetics Services, Murdoch Childrens Research Institute); PubMed 33854215 (cited by Victorian Clinical Genetics Services, Murdoch Childrens Research Institute); PubMed 12028435 (cited by Victorian Clinical Genetics Services, Murdoch Childrens Research Institute); PubMed 14514738 (cited by Victorian Clinical Genetics Services, Murdoch Childrens Research Institute); PubMed 19965530 (cited by Victorian Clinical Genetics Services, Murdoch Childrens Research Institute).